The following is an entry in ClinVar:

ClinVar aggregate classification (germline): Uncertain significance (1 of 4 stars; one submission).

Conditions:
Pitt-Hopkins-like syndrome 2 (PTHSL2). Identifiers: Orphanet 221150, Orphanet 600663, MedGen C3280479, MONDO:0013690, OMIM 614325.

gnomAD v4.1: 1 of 1,613,154 alleles (0.000062%); highest among the groups gnomAD compares: Admixed American, 0.0017%; no homozygotes.

Submission:

Labcorp Genetics (formerly Invitae), Labcorp
Classification: Uncertain significance for Pitt-Hopkins-like syndrome 2. Last evaluated: 2023-10-05. Review status: criteria provided, single submitter. Criteria: Invitae Variant Classification Sherloc (09022015). Collection method: clinical testing. Allele origin: germline.
Comment: This sequence change replaces methionine, which is neutral and non-polar, with threonine, which is neutral and polar, at codon 775 of the NRXN1 protein (p.Met775Thr). This variant is present in population databases (no rsID available, gnomAD 0.003%). This variant has not been reported in the literature in individuals affected with NRXN1-related conditions. An algorithm developed to predict the effect of missense changes on protein structure and function (PolyPhen-2) suggests that this variant is likely to be tolerated. In summary, the available evidence is currently insufficient to determine the role of this variant in disease. Therefore, it has been classified as a Variant of Uncertain Significance.

NM_001330078.2(NRXN1):c.2204T>C (p.Met735Thr)

Gene: NRXN1 (neurexin 1; minus strand). Cytogenetic location: 2p16.3.
Variant type: single nucleotide variant.
Coding change: c.2204T>C on transcript NM_001330078.2 (MANE Select); coding-DNA position 2204, T replaced by C.
Protein change: p.Met735Thr; replaces methionine 735 with threonine.
Molecular consequence: missense variant.
Genome position (GRCh38, 1-based): chr2:50,531,370, A>G on the plus strand (T>C on the coding strand, the complement: NRXN1 is on the minus strand). VCF-style: chr2-50531370-A-G. GRCh37 (hg19) VCF-style: chr2-50758508-A-G.
Other names: c.2324T>C, p.Met775Thr (NM_001135659.3); c.2180T>C, p.Met727Thr (NM_001330077.2, NM_001330082.2, NM_001330095.2); c.2165T>C, p.Met722Thr (NM_001330083.2, NM_001330084.2); c.2204T>C, p.Met735Thr (NM_001330085.2, NM_001330086.2, NM_004801.6); c.2120T>C, p.Met707Thr (NM_001330087.2, NM_001330096.2); c.2150T>C, p.Met717Thr (NM_001330088.2); c.2201T>C, p.Met734Thr (NM_001330093.2); c.2192T>C, p.Met731Thr (NM_001330094.2); short protein forms M731T, M717T, M722T, M735T, M775T, M707T, M727T, M734T.
Identifiers: ClinVar variation 2817746 (VCV002817746.3), dbSNP rs1294111154, ClinGen allele CA346769689.
Genomic context (GRCh38, chr2:50,531,370, plus strand): 5'-AGAATGCCATATGCACGCTGGGATCGGAACCGTAAGGAAACATCCTCAGCCTCCGTATGC[A>G]TGACTACGGGGAGCTGAATTTTCATAAACATGCTCCCATCATAGCTCAAAACCGTTGCCT-3'
Protein context (NP_001317007.1, residues 725-745): MFMKIQLPVV[Met735Thr]HTEAEDVSLR